The following continues an entry in ClinVar:

NM_002834.5(PTPN11):c.1508G>A (p.Gly503Glu)

Gene: PTPN11. ClinVar aggregate classification (germline): Pathogenic/Likely pathogenic. Pathogenic (16); Likely pathogenic (1). ClinVar aggregate classification (oncogenicity): Uncertain significance.

Submissions 11 to 18 of 18:

Baylor Genetics
Classification: Pathogenic for Metachondromatosis. Last evaluated: 2023-09-09. Review status: criteria provided, single submitter. Criteria: ACMG Guidelines, 2015. Collection method: clinical testing. Allele origin: unknown.

Institute of Medical Genetics and Applied Genomics, University Hospital Tübingen
Classification: Pathogenic for Noonan syndrome 1. Last evaluated: 2022-12-07. Review status: criteria provided, single submitter. Criteria: ACMG Guidelines, 2015. Collection method: clinical testing. Allele origin: de novo. Inheritance: Autosomal dominant inheritance. Affected: yes.

GeneDx
Classification: Pathogenic. Last evaluated: 2022-01-28. Review status: criteria provided, single submitter. Criteria: GeneDx Variant Classification Process June 2021. Collection method: clinical testing. Allele origin: germline. Affected: yes.
Comment: Not observed in large population cohorts (gnomAD); In silico analysis, which includes protein predictors and evolutionary conservation, supports a deleterious effect; The majority of missense variants in this gene are considered pathogenic (HGMD); This variant is associated with the following publications: (PMID: 18678287, 26785492, 25862627, 24803665, 22391158, 22138486, 21784522, 16358218, 24613412, 28628100, 19737548, 25363768, 28694526, 28991257, 28191890, 31036916, 32233106, 28714951, 33482836, 28191889, 32368696, 34011629, 31785789, 29493581)

Fulgent Genetics
Classification: Pathogenic for LEOPARD syndrome 1; Metachondromatosis; Noonan syndrome 1; Juvenile myelomonocytic leukemia. Last evaluated: 2022-01-07. Review status: criteria provided, single submitter. Criteria: ACMG Guidelines, 2015. Collection method: clinical testing. Allele origin: unknown.

Blueprint Genetics
Classification: Pathogenic for PTPN11-related disorders. Last evaluated: 2021-11-29. Review status: criteria provided, single submitter. Criteria: ACMG Guidelines, 2015. Collection method: clinical testing. Allele origin: de novo. Affected: yes. Observed: 2 variant alleles.

Equipe Genetique des Anomalies du Developpement, Université de Bourgogne
Classification: Pathogenic for LEOPARD syndrome 1. Last evaluated: 2017-08-17. Review status: criteria provided, single submitter. Criteria: ACMG Guidelines, 2015. Collection method: clinical testing. Allele origin: unknown. Affected: yes. Study: Clinvar_gadteam_Clinical_exome_analysis_3.

Eurofins Ntd Llc (ga)
Classification: Likely pathogenic. Last evaluated: 2017-06-28. Review status: criteria provided, single submitter. Criteria: EGL Classification Definitions 2015. Collection method: clinical testing. Allele origin: germline. Observed: 1 variant allele, 1 heterozygote.

Clinical Genetics Service, Universitary Hospital 12 de Octubre
Classification: Pathogenic for Noonan syndrome 1. Review status: criteria provided, single submitter. Criteria: ACMG Guidelines, 2015. Collection method: clinical testing. Allele origin: germline. Affected: yes.

Literature cited by the submitters: PubMed 9491886 (cited by Ambry Genetics); PubMed 16358218 (cited by 3 submitters); PubMed 18678287 (cited by 5 submitters); PubMed 21407260 (cited by Ambry Genetics); PubMed 23334668 (cited by Ambry Genetics); PubMed 26785492 (cited by 3 submitters); PubMed 35979676 (cited by Ambry Genetics); PubMed 12960218 (cited by Labcorp Genetics (formerly Invitae), Labcorp and 3billion); PubMed 18758896 (cited by Labcorp Genetics (formerly Invitae), Labcorp); PubMed 19077116 (cited by Labcorp Genetics (formerly Invitae), Labcorp); PubMed 19737548 (cited by Labcorp Genetics (formerly Invitae), Labcorp); PubMed 24754368 (cited by Labcorp Genetics (formerly Invitae), Labcorp); PubMed 11992261 (cited by Victorian Clinical Genetics Services, Murdoch Childrens Research Institute); PubMed 20301303 (cited by Victorian Clinical Genetics Services, Murdoch Childrens Research Institute); PubMed 21533187 (cited by Victorian Clinical Genetics Services, Murdoch Childrens Research Institute); PubMed 24935154 (cited by Victorian Clinical Genetics Services, Murdoch Childrens Research Institute); PubMed 23756559 (cited by Eurofins Ntd Llc (ga)).